The following is an entry in ClinVar:

NM_000077.5(CDKN2A):c.267C>T (p.Gly89=)

Gene: CDKN2A (cyclin dependent kinase inhibitor 2A; minus strand). Cytogenetic location: 9p21.3.
Variant type: single nucleotide variant.
Coding change: c.267C>T on transcript NM_000077.5; coding-DNA position 267, C replaced by T.
Protein change: p.Gly89=; no amino-acid change (glycine 89 retained).
Molecular consequence: synonymous variant (on NM_000077.6). On other transcripts: missense variant (1), 3 prime UTR variant (1).
Genome position (GRCh38, 1-based): chr9:21,971,092, G>A on the plus strand (C>T on the coding strand, the complement: CDKN2A is on the minus strand). VCF-style: chr9-21971092-G-A. GRCh37 (hg19) VCF-style: chr9-21971091-G-A.
Other names: c.267C>T, p.Gly89= (NM_000077.6, NM_001195132.2); c.114C>T, p.Gly38= (NM_001363763.2); c.310C>T, p.Leu104Phe (NM_058195.4); c.*190C>T (NM_058197.5); short protein forms L104F.
Identifiers: ClinVar variation 532269 (VCV000532269.9), dbSNP rs1404957845, ClinGen allele CA373086192.
Genomic context (GRCh38, chr9:21,971,092, plus strand): 5'-GGCATCGCGCACGTCCAGCCGCGCCCCGGCCCGGTGCAGCACCACCAGCGTGTCCAGGAA[G>A]CCCTCCCGGGCAGCGTCGTGCACGGGTCGGGTGAGAGTGGCGGGGTCGGCGCAGTTGGGC-3'
Protein context (NP_000068.1, residues 79-99): TRPVHDAARE[Gly89=]FLDTLVVLHR

ClinVar aggregate classification (germline): Conflicting classifications of pathogenicity. Review status: criteria provided, conflicting classifications (1 of 4 stars). 2 submissions from 2 submitters: Uncertain significance (1); Likely benign (1). Last evaluated 2024-10-26.

Conditions:
Hereditary cancer-predisposing syndrome. Also called: Hereditary neoplastic syndrome; Tumor predisposition; Neoplastic Syndromes, Hereditary; Hereditary Cancer Syndrome. Identifiers: Orphanet 140162, MedGen C0027672, MeSH D009386, MONDO:0015356.
Familial melanoma. Also called: Hereditary melanoma; Hereditary cutaneous melanoma. Identifiers: Orphanet 618, MedGen C1512419, MONDO:0018961.

Allele frequency attached by ClinVar (database versions not stated): gnomAD exomes below 0.00001; gnomAD 0.00001.

Submissions (2):

Labcorp Genetics (formerly Invitae), Labcorp
Classification: Likely benign for Familial melanoma. Last evaluated: 2024-10-26. Review status: criteria provided, single submitter. Criteria: Invitae Variant Classification Sherloc (09022015). Collection method: clinical testing. Allele origin: germline.

Ambry Genetics
Classification: Uncertain significance for Hereditary cancer-predisposing syndrome. Last evaluated: 2024-05-15. Review status: criteria provided, single submitter. Criteria: Ambry Variant Classification Scheme 2023. Collection method: clinical testing. Allele origin: germline.
Comment: The c.267C>T variant (also known as p.G89G), located in coding exon 2 of the CDKN2A gene, results from a C to T substitution at nucleotide position 267. This nucleotide substitution does not change the at codon 89. Of note, this alteration is also known as c.310C>T (p.L104F) in the p14(ARF) isoform and results from a C to T substitution at nucleotide position 310. The evidence for this gene-disease relationship is limited; therefore, the association of this alteration in the p14ARF isoform with melanoma-pancreatic cancer syndrome is unknown; however, the association of this alteration in the p16 isoform with melanoma-pancreatic cancer syndrome is unlikely.